The following is an entry in ClinVar:

ClinVar aggregate classification (germline): Likely benign (1 of 4 stars; one submission).

Allele frequency attached by ClinVar (database versions not stated): 1000 Genomes Project 30x 0.00156; 1000 Genomes Project 0.00200; TOPMed 0.00328; ESP Exome Variant Server 0.00354; gnomAD 0.00401; ExAC 0.00465; gnomAD exomes 0.00595.
gnomAD v4.1: 9,226 of 1,612,960 alleles (0.57%); highest among the groups gnomAD compares: Non-Finnish European, 0.68%; 42 homozygotes.

Submission:

CeGaT Center for Human Genetics Tuebingen
Classification: Likely benign. Last evaluated: 2026-05-01. Review status: criteria provided, single submitter. Criteria: CeGaT Center For Human Genetics Tuebingen Variant Classification Criteria Version 2. Collection method: clinical testing. Allele origin: germline. Affected: yes. Observed: 3 variant alleles.
Comment: DRC7: BS2

NM_001289162.2(DRC7):c.1747C>T (p.Arg583Trp)

Gene: DRC7 (dynein regulatory complex subunit 7; plus strand). Cytogenetic location: 16q21.
Variant type: single nucleotide variant.
Coding change: c.1747C>T on transcript NM_001289162.2 (MANE Select); coding-DNA position 1747, C replaced by T.
Protein change: p.Arg583Trp; replaces arginine 583 with tryptophan.
Molecular consequence: missense variant.
Genome position (GRCh38, 1-based): chr16:57,724,824, C>T. VCF-style: chr16-57724824-C-T. GRCh37 (hg19) VCF-style: chr16-57758736-C-T.
Other names: c.1552C>T, p.Arg518Trp (NM_001289163.2); c.1747C>T, p.Arg583Trp (NM_032269.6); short protein forms R518W, R583W.
Identifiers: ClinVar variation 2646562 (VCV002646562.24), dbSNP rs114195136, ClinGen allele CA8080212.